The following is an entry in ClinVar:

ClinVar aggregate classification (germline): Uncertain significance. Review status: criteria provided, multiple submitters, no conflicts (2 of 4 stars). 2 submissions from 2 submitters: Uncertain significance (2). Last evaluated 2025-08-30.

Conditions:
Inborn genetic diseases. Identifiers: MedGen C0950123, MeSH D030342.

gnomAD v4.1: 6 of 1,608,692 alleles (0.00037%); highest among the groups gnomAD compares: Non-Finnish European, 0.00051%; no homozygotes.

Submissions (2):

Ambry Genetics
Classification: Uncertain significance for Inborn genetic diseases. Last evaluated: 2025-08-30. Review status: criteria provided, single submitter. Criteria: Ambry Variant Classification Scheme 2023. Collection method: clinical testing. Allele origin: germline.

Labcorp Genetics (formerly Invitae), Labcorp
Classification: Uncertain significance. Last evaluated: 2025-03-29. Review status: criteria provided, single submitter. Criteria: Invitae Variant Classification Sherloc (09022015). Collection method: clinical testing. Allele origin: germline.
Comment: This sequence change replaces arginine, which is basic and polar, with histidine, which is basic and polar, at codon 218 of the ASXL1 protein (p.Arg218His). This variant is not present in population databases (gnomAD no frequency). This variant has not been reported in the literature in individuals affected with ASXL1-related conditions. An algorithm developed to predict the effect of missense changes on protein structure and function (PolyPhen-2) suggests that this variant is likely to be disruptive. In summary, the available evidence is currently insufficient to determine the role of this variant in disease. Therefore, it has been classified as a Variant of Uncertain Significance.

NM_015338.6(ASXL1):c.653G>A (p.Arg218His)

Gene: ASXL1 (ASXL transcriptional regulator 1; plus strand). Cytogenetic location: 20q11.21.
Variant type: single nucleotide variant.
Coding change: c.653G>A on transcript NM_015338.6 (MANE Select); coding-DNA position 653, G replaced by A.
Protein change: p.Arg218His; replaces arginine 218 with histidine.
Molecular consequence: missense variant. On other transcripts: intron variant (1).
Genome position (GRCh38, 1-based): chr20:32,429,988, G>A. VCF-style: chr20-32429988-G-A. GRCh37 (hg19) VCF-style: chr20-31017791-G-A.
Other names: c.535+557G>A (NM_001363734.1); short protein forms R218H.
Identifiers: ClinVar variation 3957860 (VCV003957860.3).